The following is an entry in ClinVar:

NM_198525.3(KIF7):c.3664+2dup

Genes: KIF7 (kinesin family member 7; minus strand), LOC126862216 (BRD4-independent group 4 enhancer GRCh37_chr15:90171995-90173194; plus strand). Cytogenetic location: 15q26.1.
Variant type: Duplication.
Coding change: c.3664+2dup on transcript NM_198525.3 (MANE Select); the canonical splice donor site of the intron after coding-DNA position 3664, one base duplicated (T; older notation c.3664+2dupT).
Molecular consequence: splice donor variant.
Genome position (GRCh38, 1-based): chr15:89,628,974, A duplicated on the plus strand (T on the coding strand, the reverse complement: KIF7 is on the minus strand). VCF-style (leftmost placement, unchanged base first): chr15-89628973-T-TA. GRCh37 (hg19) VCF-style: chr15-90172204-T-TA.
Identifiers: ClinVar variation 2161166 (VCV002161166.2), dbSNP rs1469178932, ClinGen allele CA716954169.

ClinVar aggregate classification (germline): Conflicting classifications of pathogenicity. Review status: criteria provided, conflicting classifications (1 of 4 stars). 2 submissions from 2 submitters: Likely pathogenic (1); Uncertain significance (1). Last evaluated 2024-02-20.

Conditions:
KIF7-related disorder. Also called: KIF7-related condition.
Acrocallosal syndrome (ACLS). Also called: Schinzel syndrome 1; Absence of corpus callosum with unusual facial appearance, mental deficiency, duplication of the halluces and polydactyly; HALLUX DUPLICATION, POSTAXIAL POLYDACTYLY, AND ABSENCE OF CORPUS CALLOSUM. Identifiers: Orphanet 36, MedGen C0796147, MONDO:0008708, OMIM 200990.

Allele frequency attached by ClinVar (database versions not stated): gnomAD exomes below 0.00001; TOPMed 0.00001.

Submissions (2):

Blueprint Genetics
Classification: Likely pathogenic for KIF7-related disorders. Last evaluated: 2024-02-20. Review status: criteria provided, single submitter. Criteria: ACMG Guidelines, 2015. Collection method: clinical testing. Allele origin: germline. Affected: yes. Observed: 2 variant alleles.

Labcorp Genetics (formerly Invitae), Labcorp
Classification: Uncertain significance for Acrocallosal syndrome. Last evaluated: 2022-02-22. Review status: criteria provided, single submitter. Criteria: Invitae Variant Classification Sherloc (09022015). Collection method: clinical testing. Allele origin: germline.
Comment: This sequence change falls in intron 18 of the KIF7 gene. It does not directly change the encoded amino acid sequence of the KIF7 protein. It affects a nucleotide within the consensus splice site. This variant is not present in population databases (gnomAD no frequency). This variant has not been reported in the literature in individuals affected with KIF7-related conditions. Variants that disrupt the consensus splice site are a relatively common cause of aberrant splicing (PMID: 17576681, 9536098). Algorithms developed to predict the effect of sequence changes on RNA splicing suggest that this variant may disrupt the consensus splice site. In summary, the available evidence is currently insufficient to determine the role of this variant in disease. Therefore, it has been classified as a Variant of Uncertain Significance.

Literature cited by the submitters: PubMed 17576681 (cited by Labcorp Genetics (formerly Invitae), Labcorp); PubMed 9536098 (cited by Labcorp Genetics (formerly Invitae), Labcorp).